The following is an entry in ClinVar:

ClinVar aggregate classification (germline): Uncertain significance (1 of 4 stars; one submission).

Conditions:
PMM2-related disorder. Also called: PMM2-related condition.

gnomAD v4.1: 4 of 1,612,948 alleles (0.00025%); highest among the groups gnomAD compares: Non-Finnish European, 0.00034%; no homozygotes.

Submission:

PreventionGenetics, part of Exact Sciences
Classification: Uncertain significance for PMM2-related condition. Last evaluated: 2025-01-30. Review status: criteria provided, single submitter. Criteria: ACMG Guidelines, 2015. Collection method: clinical testing. Allele origin: germline.
Comment: The PMM2 c.199G>A variant is predicted to result in the amino acid substitution p.Val67Met. This variant was reported, in the heterozygous state along with a second known causative variant, in an individual with congenital disorder of glycosylation (Bjursell et al. 2000. PubMed ID: 11058896; Erlandson et al. 2001. PubMed ID: 11409861). A different amino acid change at this position (p.Val67Gly) was also reported in an individual with suspected congenital disorder of glycosylation (Coman et al. 2005. PubMed ID: 16435227). The c.199G>A variant is reported in 0.013% of alleles in individuals of European (Non-Finnish) descent in gnomAD. Although we suspect that this variant may be pathogenic, at this time, the clinical significance of this variant is uncertain due to the absence of conclusive functional and genetic evidence.

NM_000303.3(PMM2):c.199G>A (p.Val67Met)

Gene: PMM2 (phosphomannomutase 2; plus strand). Cytogenetic location: 16p13.2.
Variant type: single nucleotide variant.
Coding change: c.199G>A on transcript NM_000303.3 (MANE Select); coding-DNA position 199, G replaced by A.
Protein change: p.Val67Met; replaces valine 67 with methionine.
Molecular consequence: missense variant.
Genome position (GRCh38, 1-based): chr16:8,804,787, G>A. VCF-style: chr16-8804787-G-A. GRCh37 (hg19) VCF-style: chr16-8898644-G-A.
Other names: short protein forms V67M.
Identifiers: ClinVar variation 4978764 (VCV004978764.1).